The following is an entry in ClinVar:

ClinVar aggregate classification (germline): Uncertain significance (1 of 4 stars; one submission).

Submission:

Labcorp Genetics (formerly Invitae), Labcorp
Classification: Uncertain significance. Last evaluated: 2024-03-13. Review status: criteria provided, single submitter. Criteria: Invitae Variant Classification Sherloc (09022015). Collection method: clinical testing. Allele origin: germline.
Comment: This sequence change replaces proline, which is neutral and non-polar, with glutamine, which is neutral and polar, at codon 138 of the IRF2BP2 protein (p.Pro138Gln). This variant is not present in population databases (gnomAD no frequency). This variant has not been reported in the literature in individuals affected with IRF2BP2-related conditions. Algorithms developed to predict the effect of missense changes on protein structure and function output the following: SIFT: "Not Available"; PolyPhen-2: "Benign"; Align-GVGD: "Not Available". The glutamine amino acid residue is found in multiple mammalian species, which suggests that this missense change does not adversely affect protein function. In summary, the available evidence is currently insufficient to determine the role of this variant in disease. Therefore, it has been classified as a Variant of Uncertain Significance.

NM_182972.3(IRF2BP2):c.413C>A (p.Pro138Gln)

Genes: IRF2BP2 (interferon regulatory factor 2 binding protein 2; minus strand), LOC129932812 (ATAC-STARR-seq lymphoblastoid silent region 1977; plus strand). Cytogenetic location: 1q42.3.
Variant type: single nucleotide variant.
Coding change: c.413C>A on transcript NM_182972.3 (MANE Select); coding-DNA position 413, C replaced by A.
Protein change: p.Pro138Gln; replaces proline 138 with glutamine.
Molecular consequence: missense variant.
Genome position (GRCh38, 1-based): chr1:234,609,082, G>T on the plus strand (C>A on the coding strand, the complement: IRF2BP2 is on the minus strand). VCF-style: chr1-234609082-G-T. GRCh37 (hg19) VCF-style: chr1-234744828-G-T.
Other names: c.413C>A, p.Pro138Gln (NM_001077397.1); short protein forms P138Q.
Identifiers: ClinVar variation 3644373 (VCV003644373.2).